The following is an entry in ClinVar:

ClinVar aggregate classification (germline): Likely pathogenic (1 of 4 stars; one submission).

Conditions:
Nephronophthisis 15 (NPHP15). Identifiers: Orphanet 3156, MedGen C3541853, MONDO:0013917, OMIM 614845.

Submission:

Labcorp Genetics (formerly Invitae), Labcorp
Classification: Likely pathogenic for Nephronophthisis 15. Last evaluated: 2022-06-04. Review status: criteria provided, single submitter. Criteria: Invitae Variant Classification Sherloc (09022015). Collection method: clinical testing. Allele origin: germline.
Comment: This variant is not present in population databases (gnomAD no frequency). In summary, the currently available evidence indicates that the variant is pathogenic, but additional data are needed to prove that conclusively. Therefore, this variant has been classified as Likely Pathogenic. Algorithms developed to predict the effect of sequence changes on RNA splicing suggest that this variant may disrupt the consensus splice site. ClinVar contains an entry for this variant (Variation ID: 1484586). This variant has not been reported in the literature in individuals affected with CEP164-related conditions. This sequence change affects an acceptor splice site in intron 17 of the CEP164 gene. It is expected to disrupt RNA splicing. Variants that disrupt the donor or acceptor splice site typically lead to a loss of protein function (PMID: 16199547), and loss-of-function variants in CEP164 are known to be pathogenic (PMID: 22863007, 28125082, 32367404, 34132027, 34499853).

Literature cited by the submitters: PubMed 16199547; PubMed 22863007; PubMed 28125082; PubMed 32367404; PubMed 34132027; PubMed 34499853.

NM_014956.5(CEP164):c.2284-1G>A

Gene: CEP164 (centrosomal protein 164; plus strand). Cytogenetic location: 11q23.3.
Variant type: single nucleotide variant.
Coding change: c.2284-1G>A on transcript NM_014956.5 (MANE Select); the canonical splice acceptor site of the intron before coding-DNA position 2284, G replaced by A.
Molecular consequence: splice acceptor variant.
Genome position (GRCh38, 1-based): chr11:117,392,225, G>A. VCF-style: chr11-117392225-G-A. GRCh37 (hg19) VCF-style: chr11-117262941-G-A.
Other names: c.2293-1G>A (NM_001271933.2).
Identifiers: ClinVar variation 1484586 (VCV001484586.6), dbSNP rs1391874809, ClinGen allele CA382724821.